The following is an entry in ClinVar:

NM_014712.3(SETD1A):c.1576A>G (p.Thr526Ala)

Gene: SETD1A (SET domain containing 1A, histone lysine methyltransferase; plus strand). Cytogenetic location: 16p11.2.
Variant type: single nucleotide variant.
Coding change: c.1576A>G on transcript NM_014712.3 (MANE Select); coding-DNA position 1576, A replaced by G.
Protein change: p.Thr526Ala; replaces threonine 526 with alanine.
Molecular consequence: missense variant.
Genome position (GRCh38, 1-based): chr16:30,965,318, A>G. VCF-style: chr16-30965318-A-G. GRCh37 (hg19) VCF-style: chr16-30976639-A-G.
Other names: short protein forms T526A.
Identifiers: ClinVar variation 4535048 (VCV004535048.6).
Genomic context (GRCh38, chr16:30,965,318, plus strand): 5'-TTGGCCTCTGACACAGAGGAGGAGGAAGAGAACAGCAGCATGGTCCTTGGGGCCAGAGAT[A>G]CAGGGAGTGAGGTGCCTTCTGGGTCAGGGCATGGGCCCTGCACACCCCCTCCGGCCCCAG-3'
Protein context (NP_055527.1, residues 516-536): NSSMVLGARD[Thr526Ala]GSEVPSGSGH

ClinVar aggregate classification (germline): Uncertain significance (1 of 4 stars; one submission).

Submission:

CeGaT Center for Human Genetics Tuebingen
Classification: Uncertain significance. Last evaluated: 2025-10-01. Review status: criteria provided, single submitter. Criteria: CeGaT Center For Human Genetics Tuebingen Variant Classification Criteria Version 2. Collection method: clinical testing. Allele origin: germline. Affected: yes. Observed: 1 variant allele.
Comment: SETD1A: PM2, BP4